The following is an entry in ClinVar:

NC_000013.10:g.(?_103249369)_(103330686_?)dup

Gene: TPP2 (tripeptidyl peptidase 2; plus strand). Cytogenetic location: 13q33.1.
Variant type: Duplication.
Identifiers: ClinVar variation 1512102 (VCV001512102.3).

ClinVar aggregate classification (germline): Uncertain significance (1 of 4 stars; one submission).

Conditions:
Evans syndrome, immunodeficiency, and premature immunosenescence associated with tripeptidyl-peptidase II deficiency. Identifiers: MedGen CN231723. Disease mechanism: loss of function.

Submission:

Labcorp Genetics (formerly Invitae), Labcorp
Classification: Uncertain significance for Evans syndrome, immunodeficiency, and premature immunosenescence associated with tripeptidyl-peptidase II deficiency. Last evaluated: 2021-07-21. Review status: criteria provided, single submitter. Criteria: Invitae Variant Classification Sherloc (09022015). Collection method: clinical testing. Allele origin: germline.
Comment: This variant results in a copy number gain of the genomic region encompassing the full coding sequence of the TPP2 gene. The boundaries of this event are unknown as they extend beyond the assayed region for this gene and therefore may encompass additional genes. As the precise location of this event is unknown, it may be in tandem or it may be located elsewhere in the genome. This variant has not been reported in the literature in individuals with TPP2-related conditions. Experimental studies and prediction algorithms are not available or were not evaluated, and the functional significance of this variant is currently unknown. In summary, the available evidence is currently insufficient to determine the role of this variant in disease. Therefore, it has been classified as a Variant of Uncertain Significance.